The following is an entry in ClinVar:

NM_001134707.2(SARDH):c.2601C>T (p.Tyr867=)

Gene: SARDH (sarcosine dehydrogenase; minus strand). Cytogenetic location: 9q34.2.
Variant type: single nucleotide variant.
Coding change: c.2601C>T on transcript NM_001134707.2 (MANE Select); coding-DNA position 2601, C replaced by T.
Protein change: p.Tyr867=; no amino-acid change (tyrosine 867 retained).
Molecular consequence: synonymous variant.
Genome position (GRCh38, 1-based): chr9:133,666,765, G>A on the plus strand (C>T on the coding strand, the complement: SARDH is on the minus strand). VCF-style: chr9-133666765-G-A. GRCh37 (hg19) VCF-style: chr9-136531887-G-A.
Other names: c.2601C>T, p.Tyr867= (NM_007101.4).
Identifiers: ClinVar variation 2659696 (VCV002659696.24), dbSNP rs572976768, ClinGen allele CA5313816.

ClinVar aggregate classification (germline): Likely benign (1 of 4 stars; one submission).

Allele frequency attached by ClinVar (database versions not stated): gnomAD 0.00005; TOPMed 0.00007; gnomAD exomes 0.00008; 1000 Genomes Project 30x 0.00016; 1000 Genomes Project 0.00020; ExAC 0.00022.
gnomAD v4.1: 129 of 1,599,734 alleles (0.0081%); highest among the groups gnomAD compares: East Asian, 0.029%; no homozygotes.

Submission:

CeGaT Center for Human Genetics Tuebingen
Classification: Likely benign. Last evaluated: 2022-08-01. Review status: criteria provided, single submitter. Criteria: CeGaT Center For Human Genetics Tuebingen Variant Classification Criteria Version 2. Collection method: clinical testing. Allele origin: germline. Affected: yes. Observed: 1 variant allele.
Comment: SARDH: BP4, BP7